The following is an entry in ClinVar:

ClinVar aggregate classification (germline): Uncertain significance (1 of 4 stars; one submission).

Submission:

Labcorp Genetics (formerly Invitae), Labcorp
Classification: Uncertain significance. Last evaluated: 2023-10-10. Review status: criteria provided, single submitter. Criteria: Invitae Variant Classification Sherloc (09022015). Collection method: clinical testing. Allele origin: germline.
Comment: This sequence change replaces leucine, which is neutral and non-polar, with proline, which is neutral and non-polar, at codon 455 of the AK7 protein (p.Leu455Pro). This variant is not present in population databases (gnomAD no frequency). This variant has not been reported in the literature in individuals affected with AK7-related conditions. Advanced modeling of protein sequence and biophysical properties (such as structural, functional, and spatial information, amino acid conservation, physicochemical variation, residue mobility, and thermodynamic stability) performed at Invitae indicates that this missense variant is expected to disrupt AK7 protein function. In summary, the available evidence is currently insufficient to determine the role of this variant in disease. Therefore, it has been classified as a Variant of Uncertain Significance.

NM_152327.5(AK7):c.1364T>C (p.Leu455Pro)

Gene: AK7 (adenylate kinase 7; plus strand). Cytogenetic location: 14q32.2.
Variant type: single nucleotide variant.
Coding change: c.1364T>C on transcript NM_152327.5 (MANE Select); coding-DNA position 1364, T replaced by C.
Protein change: p.Leu455Pro; replaces leucine 455 with proline.
Molecular consequence: missense variant. On other transcripts: intron variant (1).
Genome position (GRCh38, 1-based): chr14:96,471,484, T>C. VCF-style: chr14-96471484-T-C. GRCh37 (hg19) VCF-style: chr14-96937821-T-C.
Other names: c.1286T>C, p.Leu429Pro (NM_001350891.2); c.1358-6981T>C (NM_001350892.2); c.1364T>C, p.Leu455Pro (NM_001350888.2, NM_001350890.2); short protein forms L429P, L455P.
Identifiers: ClinVar variation 2767535 (VCV002767535.3), dbSNP rs2504613050, ClinGen allele CA390919790.